The following is an entry in ClinVar:

NM_020884.7(MYH7B):c.4445G>A (p.Arg1482His)

Gene: MYH7B (myosin heavy chain 7B; plus strand). Cytogenetic location: 20q11.22.
Variant type: single nucleotide variant.
Coding change: c.4445G>A on transcript NM_020884.7 (MANE Select); coding-DNA position 4445, G replaced by A.
Protein change: p.Arg1482His; replaces arginine 1482 with histidine.
Molecular consequence: missense variant.
Genome position (GRCh38, 1-based): chr20:34,999,310, G>A. VCF-style: chr20-34999310-G-A. GRCh37 (hg19) VCF-style: chr20-33587113-G-A.
Other names: short protein forms R1482H.
Identifiers: ClinVar variation 1380222 (VCV001380222.8), dbSNP rs369750322, ClinGen allele CA9828108.

ClinVar aggregate classification (germline): Uncertain significance (1 of 4 stars; one submission).

Allele frequency attached by ClinVar (database versions not stated): ESP Exome Variant Server 0.00008; gnomAD exomes 0.00012 and 0.00038; TOPMed 0.00019; gnomAD 0.00028 and 0.00029; ExAC 0.00032.
gnomAD v4.1: 576 of 1,580,166 alleles (0.036%); highest among the groups gnomAD compares: Non-Finnish European, 0.047%; 3 homozygotes.

Submission:

Labcorp Genetics (formerly Invitae), Labcorp
Classification: Uncertain significance. Last evaluated: 2024-08-28. Review status: criteria provided, single submitter. Criteria: Invitae Variant Classification Sherloc (09022015). Collection method: clinical testing. Allele origin: germline.
Comment: This sequence change replaces arginine, which is basic and polar, with histidine, which is basic and polar, at codon 1524 of the MYH7B protein (p.Arg1524His). This variant is present in population databases (rs369750322, gnomAD 0.04%). This variant has not been reported in the literature in individuals affected with MYH7B-related conditions. ClinVar contains an entry for this variant (Variation ID: 1380222). Invitae Evidence Modeling of protein sequence and biophysical properties (such as structural, functional, and spatial information, amino acid conservation, physicochemical variation, residue mobility, and thermodynamic stability) indicates that this missense variant is not expected to disrupt MYH7B protein function with a negative predictive value of 80%. In summary, the available evidence is currently insufficient to determine the role of this variant in disease. Therefore, it has been classified as a Variant of Uncertain Significance.